The following is an entry in ClinVar:

NM_004431.5(EPHA2):c.1743A>G (p.Gln581=)

Gene: EPHA2 (EPH receptor A2; minus strand). Cytogenetic location: 1p36.13.
Variant type: single nucleotide variant.
Coding change: c.1743A>G on transcript NM_004431.5 (MANE Select); coding-DNA position 1743, A replaced by G.
Protein change: p.Gln581=; no amino-acid change (glutamine 581 retained).
Molecular consequence: synonymous variant.
Genome position (GRCh38, 1-based): chr1:16,133,602, T>C on the plus strand (A>G on the coding strand, the complement: EPHA2 is on the minus strand). VCF-style: chr1-16133602-T-C. GRCh37 (hg19) VCF-style: chr1-16460097-T-C.
Other names: c.1743A>G (NM_004431.3); c.1581A>G, p.Gln527= (NM_001329090.2).
Identifiers: ClinVar variation 1915928 (VCV001915928.7), dbSNP rs773033022, ClinGen allele CA625055.

ClinVar aggregate classification (germline): Uncertain significance. Review status: criteria provided, multiple submitters, no conflicts (2 of 4 stars). 2 submissions from 2 submitters: Uncertain significance (2). Last evaluated 2022-08-16.

Conditions:
Cataract 6 multiple types. Also called: CATARACT, AGE-RELATED CORTICAL, 2; CATARACT 6, POSTERIOR POLAR; CATARACT 6, CONGENITAL TOTAL. Identifiers: Orphanet 91492, MedGen C1861825, MONDO:0007288, OMIM 116600.

Allele frequency attached by ClinVar (database versions not stated): ExAC 0.00001; gnomAD exomes 0.00001.
gnomAD v4.1: 7 of 1,613,960 alleles (0.00043%); highest among the groups gnomAD compares: Non-Finnish European, 0.00059%; no homozygotes.

Submissions (3):

GeneDx
Classification: Uncertain significance. Last evaluated: 2022-08-16. Review status: criteria provided, single submitter. Criteria: GeneDx Variant Classification Process June 2021. Collection method: clinical testing. Allele origin: germline. Affected: yes.
Comment: Not observed at significant frequency in large population cohorts (gnomAD); In silico analysis supports a deleterious effect on splicing; Has not been previously published as pathogenic or benign to our knowledge

Labcorp Genetics (formerly Invitae), Labcorp
Classification: Uncertain significance for Cataract 6 multiple types. Last evaluated: 2022-03-12. Review status: criteria provided, single submitter. Criteria: Invitae Variant Classification Sherloc (09022015). Collection method: clinical testing. Allele origin: germline.
Comment: In summary, the available evidence is currently insufficient to determine the role of this variant in disease. Therefore, it has been classified as a Variant of Uncertain Significance. Algorithms developed to predict the effect of sequence changes on RNA splicing suggest that this variant may create or strengthen a splice site. This variant has not been reported in the literature in individuals affected with EPHA2-related conditions. This variant is not present in population databases (gnomAD no frequency). This sequence change affects codon 581 of the EPHA2 mRNA. It is a 'silent' change, meaning that it does not change the encoded amino acid sequence of the EPHA2 protein.

Dr. Peter K. Rogan Lab, Western University
No classification provided (evidence only). Condition: Clear cell carcinoma of kidney. Review status: no classification provided. Collection method: in vitro. Allele origin: not applicable. Functional consequence: retained intron. Not counted in ClinVar's aggregate classification.